The following is an entry in ClinVar:

ClinVar aggregate classification (germline): Uncertain significance (1 of 4 stars; one submission).

Conditions:
Pulmonary fibrosis and/or bone marrow failure, Telomere-related, 3. Also called: PULMONARY FIBROSIS AND/OR BONE MARROW FAILURE SYNDROME, TELOMERE-RELATED, 3. Identifiers: Orphanet 2032, MedGen C4225346, MONDO:0014613, OMIM 616373.
Dyskeratosis congenita, autosomal recessive 5 (DKCB5). Identifiers: MedGen C3554656, MONDO:0014076, OMIM 615190.

Submission:

Labcorp Genetics (formerly Invitae), Labcorp
Classification: Uncertain significance for Dyskeratosis congenita, autosomal recessive 5; Pulmonary fibrosis and/or bone marrow failure, Telomere-related, 3. Last evaluated: 2020-07-20. Review status: criteria provided, single submitter. Criteria: Invitae Variant Classification Sherloc (09022015). Collection method: clinical testing. Allele origin: germline.
Comment: Algorithms developed to predict the effect of missense changes on protein structure and function output the following: SIFT: "Tolerated"; PolyPhen-2: "Benign"; Align-GVGD: "Class C0". The threonine amino acid residue is found in multiple mammalian species, suggesting that this missense change does not adversely affect protein function. These predictions have not been confirmed by published functional studies and their clinical significance is uncertain. This variant has not been reported in the literature in individuals with RTEL1-related conditions. This variant is not present in population databases (ExAC no frequency). This sequence change replaces alanine with threonine at codon 93 of the RTEL1 protein (p.Ala93Thr). The alanine residue is moderately conserved and there is a small physicochemical difference between alanine and threonine. In summary, the available evidence is currently insufficient to determine the role of this variant in disease. Therefore, it has been classified as a Variant of Uncertain Significance.

NM_001283009.2(RTEL1):c.277G>A (p.Ala93Thr)

Genes: RTEL1 (regulator of telomere elongation helicase 1; plus strand), RTEL1-TNFRSF6B (RTEL1-TNFRSF6B readthrough (NMD candidate); plus strand). Cytogenetic location: 20q13.33.
Variant type: single nucleotide variant.
Coding change: c.277G>A on transcript NM_001283009.2 (MANE Select); coding-DNA position 277, G replaced by A.
Protein change: p.Ala93Thr; replaces alanine 93 with threonine.
Molecular consequence: missense variant. On other transcripts: non-coding transcript variant (1), 5 prime UTR variant (1).
Genome position (GRCh38, 1-based): chr20:63,661,472, G>A. VCF-style: chr20-63661472-G-A. GRCh37 (hg19) VCF-style: chr20-62292825-G-A.
Other names: c.-393G>A (NM_001283010.1); c.277G>A, p.Ala93Thr (NM_016434.4, NM_032957.5); short protein forms A93T.
Identifiers: ClinVar variation 1051466 (VCV001051466.9), dbSNP rs2146149148, ClinGen allele CA409658184.